The following is an entry in ClinVar:

NM_001374623.1(PNPLA1):c.377G>A (p.Arg126His)

Gene: PNPLA1 (patatin like domain 1, omega-hydroxyceramide transacylase; plus strand). Cytogenetic location: 6p21.31.
Variant type: single nucleotide variant.
Coding change: c.377G>A on transcript NM_001374623.1 (MANE Select); coding-DNA position 377, G replaced by A.
Protein change: p.Arg126His; replaces arginine 126 with histidine.
Molecular consequence: missense variant.
Genome position (GRCh38, 1-based): chr6:36,291,491, G>A. VCF-style: chr6-36291491-G-A. GRCh37 (hg19) VCF-style: chr6-36259268-G-A.
Other names: c.92G>A, p.Arg31His (NM_001145716.2, NM_173676.2); c.377G>A, p.Arg126His (NM_001145717.1); short protein forms R126H, R31H.
Identifiers: ClinVar variation 3899873 (VCV003899873.1).

ClinVar aggregate classification (germline): Uncertain significance (1 of 4 stars; one submission).

Conditions:
Autosomal recessive congenital ichthyosis 10 (ARCI10). Identifiers: Orphanet 79394, MedGen C3554355, MONDO:0014011, OMIM 615024.

Submission:

Genetics Department, Catlab
Classification: Uncertain significance for Autosomal recessive congenital ichthyosis 10. Last evaluated: 2025-01-13. Review status: criteria provided, single submitter. Criteria: ACMG Guidelines, 2015. Collection method: clinical testing. Allele origin: germline. Affected: yes. Observed: 1 variant allele.
Comment: The c.377G>A variant is located in a critical functional domain (patatin) of the protein (PM1) and has a low frequency in the gnomAD 4.0 database (AF= 0,000013353) (PM2). The change has a REVEL pathogenicity score of 0.771 (PP3). With all the available evidence, the variant is classified as of uncertain significance.